The following is an entry in ClinVar:

ClinVar aggregate classification (germline): Uncertain significance. Review status: criteria provided, multiple submitters, no conflicts (2 of 4 stars). 5 submissions from 5 submitters: Uncertain significance (5). Last evaluated 2025-12-31.

Conditions:
Hereditary cancer-predisposing syndrome. Also called: Neoplastic Syndromes, Hereditary; Tumor predisposition; Hereditary Cancer Syndrome; Hereditary neoplastic syndrome. Identifiers: Orphanet 140162, MedGen C0027672, MeSH D009386, MONDO:0015356.
Familial cancer of breast. Also called: hereditary breast carcinoma; BREAST CANCER, FAMILIAL; Hereditary breast cancer. Identifiers: Orphanet 227535, MedGen C0346153, MONDO:0016419, OMIM 114480. Disease mechanism: loss of function.
Fanconi anemia complementation group J. Also called: BRIP1-Related Fanconi Anemia. Identifiers: Orphanet 84, MedGen C1836860, MONDO:0012187, OMIM 609054.
Breast carcinoma. Also called: Carcinoma of breast. Identifiers: MedGen C0678222, MONDO:0004989, HP:0003002.

Allele frequency attached by ClinVar (database versions not stated): gnomAD exomes below 0.00001; ExAC 0.00001.
gnomAD v4.1: 2 of 1,613,900 alleles (0.00012%); highest among the groups gnomAD compares: South Asian, 0.0011%; no homozygotes.

Submissions (5):

Labcorp Genetics (formerly Invitae), Labcorp
Classification: Uncertain significance for Familial cancer of breast; Fanconi anemia complementation group J. Last evaluated: 2025-12-31. Review status: criteria provided, single submitter. Criteria: Invitae Variant Classification Sherloc (09022015). Collection method: clinical testing. Allele origin: germline.
Comment: This sequence change replaces glycine, which is neutral and non-polar, with glutamic acid, which is acidic and polar, at codon 344 of the BRIP1 protein (p.Gly344Glu). This variant is present in population databases (rs751841684, gnomAD 0.003%). This variant has not been reported in the literature in individuals affected with BRIP1-related conditions. ClinVar contains an entry for this variant (Variation ID: 461056). Invitae Evidence Modeling of protein sequence and biophysical properties (such as structural, functional, and spatial information, amino acid conservation, physicochemical variation, residue mobility, and thermodynamic stability) indicates that this missense variant is expected to disrupt BRIP1 protein function with a positive predictive value of 95%. In summary, the available evidence is currently insufficient to determine the role of this variant in disease. Therefore, it has been classified as a Variant of Uncertain Significance.

Laboratorio de Biologia Molecular/Medicina Genomica - IFF/Fiocruz, Instituto Fernandes Figueira, Fundacao Oswaldo Cruz
Classification: Uncertain significance for Fanconi anemia complementation group J. Last evaluated: 2025-09-02. Review status: criteria provided, single submitter. Criteria: ACMG Guidelines, 2015. Collection method: clinical testing. Allele origin: germline. Affected: yes. Observed: 1 variant allele.
Comment: Variant: c.1031G>A (p.Gly344Glu) in exon 8 of the BRIP1 gene. Protein effect: Missense substitution at a highly conserved residue. In silico tools: Predict a deleterious impact. Population database (gnomAD): Extremely rare. ACMG/AMP criteria applied: PM2_Supporting, PP3, PP4.

Ambry Genetics
Classification: Uncertain significance for Hereditary cancer-predisposing syndrome. Last evaluated: 2025-04-01. Review status: criteria provided, single submitter. Criteria: Ambry Variant Classification Scheme 2023. Collection method: clinical testing. Allele origin: germline.
Comment: The p.G344E variant (also known as c.1031G>A), located in coding exon 7 of the BRIP1 gene, results from a G to A substitution at nucleotide position 1031. The glycine at codon 344 is replaced by glutamic acid, an amino acid with similar properties. This amino acid position is conserved. In addition, this alteration is predicted to be deleterious by in silico analysis. Since supporting evidence is limited at this time, the clinical significance of this alteration remains unclear.

Color Diagnostics, LLC DBA Color Health
Classification: Uncertain significance for Hereditary cancer-predisposing syndrome. Last evaluated: 2023-12-05. Review status: criteria provided, single submitter. Criteria: ACMG Guidelines, 2015. Collection method: clinical testing. Allele origin: germline.
Comment: This missense variant replaces glycine with glutamic acid at codon 344 of the BRIP1 protein. Computational prediction suggests that this variant may have deleterious impact on protein structure and function (internally defined REVEL score threshold >= 0.7, PMID: 27666373). To our knowledge, functional studies have not been reported for this variant. This variant has not been reported in individuals affected with BRIP1-related disorders in the literature. This variant has been identified in 1/251298 chromosomes in the general population by the Genome Aggregation Database (gnomAD). The available evidence is insufficient to determine the role of this variant in disease conclusively. Therefore, this variant is classified as a Variant of Uncertain Significance.

Centre for Mendelian Genomics, University Medical Centre Ljubljana
Classification: Uncertain significance for Breast carcinoma. Last evaluated: 2017-01-01. Review status: criteria provided, single submitter. Criteria: ACMG Guidelines, 2015. Collection method: clinical testing. Allele origin: unknown. Affected: yes.

NM_032043.3(BRIP1):c.1031G>A (p.Gly344Glu)

Gene: BRIP1 (BRCA1 interacting DNA helicase 1; minus strand). Cytogenetic location: 17q23.2.
Variant type: single nucleotide variant.
Coding change: c.1031G>A on transcript NM_032043.3 (MANE Select); coding-DNA position 1031, G replaced by A.
Protein change: p.Gly344Glu; replaces glycine 344 with glutamic acid.
Molecular consequence: missense variant.
Genome position (GRCh38, 1-based): chr17:61,801,362, C>T on the plus strand (G>A on the coding strand, the complement: BRIP1 is on the minus strand). VCF-style: chr17-61801362-C-T. GRCh37 (hg19) VCF-style: chr17-59878723-C-T.
Other names: short protein forms G344E.
Identifiers: ClinVar variation 461056 (VCV000461056.20), dbSNP rs751841684, ClinGen allele CA8690815.
Genomic context (GRCh38, chr17:61,801,362, plus strand): 5'-ATGTCAGCATCTTGTATTAGTTCTCGGGCTGTGTAATATGGACAGGCCTTTAGTTTCTTC[C>T]CCAGGCTGACAAGTTCTTCTATATCCCAGGCTTTGCACATCCCTTGGAAAGTCTGTAATG-3'
Protein context (NP_114432.2, residues 334-354): AWDIEELVSL[Gly344Glu]KKLKACPYYT